The following is an entry in ClinVar:

ClinVar aggregate classification (germline): Uncertain significance (1 of 4 stars; one submission).

Submission:

Labcorp Genetics (formerly Invitae), Labcorp
Classification: Uncertain significance. Last evaluated: 2025-03-26. Review status: criteria provided, single submitter. Criteria: Invitae Variant Classification Sherloc (09022015). Collection method: clinical testing. Allele origin: germline.
Comment: This sequence change replaces valine, which is neutral and non-polar, with leucine, which is neutral and non-polar, at codon 26 of the GUCY2C protein (p.Val26Leu). This variant is not present in population databases (gnomAD no frequency). This variant has not been reported in the literature in individuals affected with GUCY2C-related conditions. An algorithm developed to predict the effect of missense changes on protein structure and function outputs the following: PolyPhen-2: "Benign". The leucine amino acid residue is found in multiple mammalian species, which suggests that this missense change does not adversely affect protein function. In summary, the available evidence is currently insufficient to determine the role of this variant in disease. Therefore, it has been classified as a Variant of Uncertain Significance.

NM_004963.4(GUCY2C):c.76G>C (p.Val26Leu)

Genes: GUCY2C (guanylate cyclase 2C; minus strand), GUCY2C-AS1 (GUCY2C antisense RNA 1; plus strand). Cytogenetic location: 12p12.3.
Variant type: single nucleotide variant.
Coding change: c.76G>C on transcript NM_004963.4 (MANE Select); coding-DNA position 76, G replaced by C.
Protein change: p.Val26Leu; replaces valine 26 with leucine.
Molecular consequence: missense variant.
Genome position (GRCh38, 1-based): chr12:14,696,373, C>G on the plus strand (G>C on the coding strand, the complement: GUCY2C is on the minus strand). VCF-style: chr12-14696373-C-G. GRCh37 (hg19) VCF-style: chr12-14849307-C-G.
Other names: short protein forms V26L.
Identifiers: ClinVar variation 4716038 (VCV004716038.1).
Genomic context (GRCh38, chr12:14,696,373, plus strand): 5'-CTGAGTTGCCCATCATCAGGACGCTGATTTCATAGCTGCCATTGTGGCAGTTCTGACTCA[C>G]CTGGGAACTAAAGGACAGCCACCCGGGCTGGAAGAGCAGTGACCACAAAGCCAAGTCCAA-3'
Protein context (NP_004954.2, residues 16-36): QPGWLSFSSQ[Val26Leu]SQNCHNGSYE